The following is an entry in ClinVar:

ClinVar aggregate classification (germline): Uncertain significance. Review status: criteria provided, multiple submitters, no conflicts (2 of 4 stars). 2 submissions from 2 submitters: Uncertain significance (2). Last evaluated 2025-01-25.

Conditions:
Inborn genetic diseases. Identifiers: MedGen C0950123, MeSH D030342.

gnomAD v4.1: 1 of 1,613,552 alleles (0.000062%); highest among the groups gnomAD compares: Non-Finnish European, 0.000085%; no homozygotes.

Submissions (2):

Ambry Genetics
Classification: Uncertain significance for Inborn genetic diseases. Last evaluated: 2025-01-25. Review status: criteria provided, single submitter. Criteria: Ambry Variant Classification Scheme 2023. Collection method: clinical testing. Allele origin: germline.
Comment: The p.S1313T variant (also known as c.3937T>A), located in coding exon 1 of the SAMD9 gene, results from a T to A substitution at nucleotide position 3937. The serine at codon 1313 is replaced by threonine, an amino acid with similar properties. This amino acid position is conserved. In addition, this alteration is predicted to be tolerated by in silico analysis. Based on the available evidence, the clinical significance of this variant remains unclear.

Blueprint Genetics
Classification: Uncertain significance. Last evaluated: 2020-06-18. Review status: criteria provided, single submitter. Criteria: ACMG Guidelines, 2015. Collection method: clinical testing. Allele origin: germline.

NM_017654.4(SAMD9):c.3937T>A (p.Ser1313Thr)

Gene: SAMD9 (sterile alpha motif domain containing 9; minus strand). Cytogenetic location: 7q21.2.
Variant type: single nucleotide variant.
Coding change: c.3937T>A on transcript NM_017654.4 (MANE Select); coding-DNA position 3937, T replaced by A.
Protein change: p.Ser1313Thr; replaces serine 1313 with threonine.
Molecular consequence: missense variant.
Genome position (GRCh38, 1-based): chr7:93,102,161, A>T on the plus strand (T>A on the coding strand, the complement: SAMD9 is on the minus strand). VCF-style: chr7-93102161-A-T. GRCh37 (hg19) VCF-style: chr7-92731474-A-T.
Other names: c.3937T>A, p.Ser1313Thr (NM_001193307.2); short protein forms S1313T.
Identifiers: ClinVar variation 3792024 (VCV003792024.2).